The following is an entry in ClinVar:

NM_005876.5(SPEG):c.5634+2T>C

Genes: ASIC4-AS1 (ASIC4 antisense RNA 1; minus strand), SPEG (striated muscle enriched protein kinase; plus strand). Cytogenetic location: 2q35.
Variant type: single nucleotide variant.
Coding change: c.5634+2T>C on transcript NM_005876.5 (MANE Select); the canonical splice donor site of the intron after coding-DNA position 5634, T replaced by C.
Molecular consequence: splice donor variant.
Genome position (GRCh38, 1-based): chr2:219,482,854, T>C. VCF-style: chr2-219482854-T-C. GRCh37 (hg19) VCF-style: chr2-220347576-T-C.
Identifiers: ClinVar variation 4731013 (VCV004731013.1).
Genomic context (GRCh38, chr2:219,482,854, plus strand): 5'-AGGGCGCAGAGGTGAGCACGGATCACCTGAAGCTATTCCTCTCCCGGCGGAGGTGGCAGG[T>C]AAGTGTGGCAGGCCAGCCTCTGTGCTTTCCACCTTCTCCTTTTCTCTAGCACTGCCTTCC-3'

ClinVar aggregate classification (germline): Likely pathogenic (1 of 4 stars; one submission).

Submission:

Labcorp Genetics (formerly Invitae), Labcorp
Classification: Likely pathogenic. Last evaluated: 2025-11-12. Review status: criteria provided, single submitter. Criteria: Invitae Variant Classification Sherloc (09022015). Collection method: clinical testing. Allele origin: germline.
Comment: This sequence change affects a donor splice site in intron 29 of the SPEG gene. It is expected to disrupt RNA splicing. Variants that disrupt the donor or acceptor splice site typically lead to a loss of protein function (PMID: 16199547), and loss-of-function variants in SPEG are known to be pathogenic (PMID: 19118250, 25087613). This variant is not present in population databases (gnomAD no frequency). This variant has not been reported in the literature in individuals affected with SPEG-related conditions. Algorithms developed to predict the effect of sequence changes on RNA splicing suggest that this variant may disrupt the consensus splice site. In summary, the currently available evidence indicates that the variant is pathogenic, but additional data are needed to prove that conclusively. Therefore, this variant has been classified as Likely Pathogenic.

Literature cited by the submitters: PubMed 16199547; PubMed 19118250; PubMed 25087613.